The following is an entry in ClinVar:

NM_001556.3(IKBKB):c.212C>T (p.Pro71Leu)

Gene: IKBKB (inhibitor of nuclear factor kappa B kinase subunit beta; plus strand). Cytogenetic location: 8p11.21.
Variant type: single nucleotide variant.
Coding change: c.212C>T on transcript NM_001556.3 (MANE Select); coding-DNA position 212, C replaced by T.
Protein change: p.Pro71Leu; replaces proline 71 with leucine.
Molecular consequence: missense variant. On other transcripts: non-coding transcript variant (3).
Genome position (GRCh38, 1-based): chr8:42,290,167, C>T. VCF-style: chr8-42290167-C-T. GRCh37 (hg19) VCF-style: chr8-42147685-C-T.
Other names: c.20C>T, p.Pro7Leu (NM_001190720.3); c.35C>T, p.Pro12Leu (NM_001242778.2); short protein forms P12L, P71L, P7L.
Identifiers: ClinVar variation 2874376 (VCV002874376.3), dbSNP rs2487292229, ClinGen allele CA371092921.

ClinVar aggregate classification (germline): Uncertain significance (1 of 4 stars; one submission).

Conditions:
Severe combined immunodeficiency due to IKK2 deficiency. Also called: Immunodeficiency 15; IMMUNODEFICIENCY 15B. Identifiers: Orphanet 397787, MedGen C4747743, MONDO:0014267, OMIM 615592.

Submission:

Labcorp Genetics (formerly Invitae), Labcorp
Classification: Uncertain significance for Severe combined immunodeficiency due to IKK2 deficiency. Last evaluated: 2023-07-16. Review status: criteria provided, single submitter. Criteria: Invitae Variant Classification Sherloc (09022015). Collection method: clinical testing. Allele origin: germline.
Comment: Advanced modeling of protein sequence and biophysical properties (such as structural, functional, and spatial information, amino acid conservation, physicochemical variation, residue mobility, and thermodynamic stability) performed at Invitae indicates that this missense variant is expected to disrupt IKBKB protein function. In summary, the available evidence is currently insufficient to determine the role of this variant in disease. Therefore, it has been classified as a Variant of Uncertain Significance. This variant has not been reported in the literature in individuals affected with IKBKB-related conditions. This variant is not present in population databases (gnomAD no frequency). This sequence change replaces proline, which is neutral and non-polar, with leucine, which is neutral and non-polar, at codon 71 of the IKBKB protein (p.Pro71Leu).